The following is an entry in ClinVar:

NM_004526.4(MCM2):c.2188A>G (p.Arg730Gly)

Gene: MCM2 (minichromosome maintenance complex component 2; plus strand). Cytogenetic location: 3q21.3.
Variant type: single nucleotide variant.
Coding change: c.2188A>G on transcript NM_004526.4 (MANE Select); coding-DNA position 2188, A replaced by G.
Protein change: p.Arg730Gly; replaces arginine 730 with glycine.
Molecular consequence: missense variant. On other transcripts: non-coding transcript variant (1).
Genome position (GRCh38, 1-based): chr3:127,619,201, A>G. VCF-style: chr3-127619201-A-G. GRCh37 (hg19) VCF-style: chr3-127338044-A-G.
Other names: c.2188A>G (NM_004526.3); short protein forms R730G.
Identifiers: ClinVar variation 2394251 (VCV002394251.7), dbSNP rs761865471, ClinGen allele CA2596136.

ClinVar aggregate classification (germline): Uncertain significance. Review status: criteria provided, multiple submitters, no conflicts (2 of 4 stars). 3 submissions from 3 submitters: Uncertain significance (3). Last evaluated 2026-08-28.

Conditions:
MCM2-related disorder. Also called: MCM2-related condition.

Allele frequency attached by ClinVar (database versions not stated): gnomAD 0.00003; TOPMed 0.00004; ExAC 0.00002.
gnomAD v4.1: 84 of 1,614,052 alleles (0.0052%); highest among the groups gnomAD compares: South Asian, 0.0077%; no homozygotes.

Submissions (3):

PreventionGenetics, part of Exact Sciences
Classification: Uncertain significance for MCM2-related condition. Last evaluated: 2026-08-28. Review status: criteria provided, single submitter. Criteria: ACMG Guidelines, 2015. Collection method: clinical testing. Allele origin: germline.
Comment: The MCM2 c.2188A>G variant is predicted to result in the amino acid substitution p.Arg730Gly. To our knowledge, this variant has not been reported in the literature. This variant is reported in 0.0046% of alleles in individuals of European (Non-Finnish) descent in gnomAD. At this time, the clinical significance of this variant is uncertain due to the absence of conclusive functional and genetic evidence.

Ambry Genetics
Classification: Uncertain significance. Last evaluated: 2025-01-27. Review status: criteria provided, single submitter. Criteria: Ambry Variant Classification Scheme 2023. Collection method: clinical testing. Allele origin: germline.

Labcorp Genetics (formerly Invitae), Labcorp
Classification: Uncertain significance. Last evaluated: 2023-08-30. Review status: criteria provided, single submitter. Criteria: Invitae Variant Classification Sherloc (09022015). Collection method: clinical testing. Allele origin: germline.
Comment: In summary, the available evidence is currently insufficient to determine the role of this variant in disease. Therefore, it has been classified as a Variant of Uncertain Significance. Advanced modeling of protein sequence and biophysical properties (such as structural, functional, and spatial information, amino acid conservation, physicochemical variation, residue mobility, and thermodynamic stability) performed at Invitae indicates that this missense variant is not expected to disrupt MCM2 protein function. ClinVar contains an entry for this variant (Variation ID: 2394251). This variant has not been reported in the literature in individuals affected with MCM2-related conditions. This variant is present in population databases (rs761865471, gnomAD 0.006%). This sequence change replaces arginine, which is basic and polar, with glycine, which is neutral and non-polar, at codon 730 of the MCM2 protein (p.Arg730Gly).